The following is an entry in ClinVar:

NM_000138.5(FBN1):c.6503A>G (p.Asp2168Gly)

Gene: FBN1 (fibrillin 1; minus strand). Cytogenetic location: 15q21.1.
Variant type: single nucleotide variant.
Coding change: c.6503A>G on transcript NM_000138.5 (MANE Select); coding-DNA position 6503, A replaced by G.
Protein change: p.Asp2168Gly; replaces aspartic acid 2168 with glycine.
Molecular consequence: missense variant.
Genome position (GRCh38, 1-based): chr15:48,434,707, T>C on the plus strand (A>G on the coding strand, the complement: FBN1 is on the minus strand). VCF-style: chr15-48434707-T-C. GRCh37 (hg19) VCF-style: chr15-48726904-T-C.
Other names: short protein forms D2168G.
Identifiers: ClinVar variation 449437 (VCV000449437.10), dbSNP rs1555395015, ClinGen allele CA392335330.

ClinVar aggregate classification (germline): Pathogenic/Likely pathogenic. Review status: criteria provided, multiple submitters, no conflicts (2 of 4 stars). 2 submissions from 2 submitters: Pathogenic (1); Likely pathogenic (1). Last evaluated 2024-06-12.

Conditions:
Marfan syndrome (MFS). Also called: MARFAN SYNDROME, TYPE I; FBN1-Related Marfan Syndrome; Marfan syndrome type 1; Marfan's syndrome; Marfan syndrome, classic. Identifiers: Orphanet 284963, Orphanet 558, MedGen C0024796, MONDO:0007947, OMIM 154700.
Familial thoracic aortic aneurysm and aortic dissection (TAAD). Also called: Thoracic aortic aneurysms and dissections. Identifiers: Orphanet 91387, MedGen C4707243, MONDO:0019625.

Submissions (2):

Labcorp Genetics (formerly Invitae), Labcorp
Classification: Pathogenic for Marfan syndrome; Familial thoracic aortic aneurysm and aortic dissection. Last evaluated: 2024-06-12. Review status: criteria provided, single submitter. Criteria: Invitae Variant Classification Sherloc (09022015). Collection method: clinical testing. Allele origin: germline.
Comment: This sequence change replaces aspartic acid, which is acidic and polar, with glycine, which is neutral and non-polar, at codon 2168 of the FBN1 protein (p.Asp2168Gly). This variant is not present in population databases (gnomAD no frequency). This missense change has been observed in individual(s) with clinical features of Marfan syndrome (PMID: 17627385, 31751304; Invitae). In at least one individual the variant was observed to be de novo. ClinVar contains an entry for this variant (Variation ID: 449437). Advanced modeling of protein sequence and biophysical properties (such as structural, functional, and spatial information, amino acid conservation, physicochemical variation, residue mobility, and thermodynamic stability) performed at Invitae indicates that this missense variant is expected to disrupt FBN1 protein function with a positive predictive value of 95%. For these reasons, this variant has been classified as Pathogenic.

GeneDx
Classification: Likely pathogenic. Last evaluated: 2017-03-20. Review status: criteria provided, single submitter. Criteria: GeneDx Variant Classification (06012015). Collection method: clinical testing. Allele origin: germline. Affected: yes.
Comment: The D2168G likely pathogenic variant in the FBN1 gene has been previously reported in one individual with suspected Marfan syndrome (Howarth et al., 2007). Although one of the two family members also found to carry D2168G was unaffected, no additional clinical information was provided. This variant is not observed in large population cohorts (Lek et al., 2016; 1000 Genomes Consortium et al., 2015; Exome Variant Server). The D2168G variant results in a non-conservative amino acid substitution, which is likely to impact secondary protein structure as these residues differ in polarity, charge, size and/or other properties, and in silico analysis predicts this variant is probably damaging to the protein structure/function. In addition, this substitution affects an aspartic acid residue within the consensus sequence of a calcium-binding EGF-like domain at a position that is occupied exclusively by either aspartic acid (Asp) or asparagine (Asn). Substitution of conserved residues within the consensus sequence is a recognized mechanism of disease and is included in the criteria to consider for pathogenicity in the revised Ghent nosology (Loeys et al., 2010). Finally, D2168 is conserved across mammals. In summary, D2168G in the FBN1 gene is interpreted as a likely pathogenic variant.

Literature cited by the submitters: PubMed 17627385 (cited by Labcorp Genetics (formerly Invitae), Labcorp); PubMed 31751304 (cited by Labcorp Genetics (formerly Invitae), Labcorp).